The following is an entry in ClinVar:

ClinVar aggregate classification (germline): Pathogenic (1 of 4 stars; one submission).

Conditions:
Walker-Warburg congenital muscular dystrophy. Also called: Muscular dystrophy-dystroglycanopathy, type A; Walker-Warburg syndrome. Identifiers: Orphanet 899, MedGen C0265221, MONDO:0000171.

Submission:

Labcorp Genetics (formerly Invitae), Labcorp
Classification: Pathogenic for Walker-Warburg congenital muscular dystrophy. Last evaluated: 2024-01-31. Review status: criteria provided, single submitter. Criteria: Invitae Variant Classification Sherloc (09022015). Collection method: clinical testing. Allele origin: germline.
Comment: This sequence change creates a premature translational stop signal (p.Tyr88Thrfs*41) in the FKRP gene. While this is not anticipated to result in nonsense mediated decay, it is expected to disrupt the last 408 amino acid(s) of the FKRP protein. This variant is not present in population databases (gnomAD no frequency). This variant has not been reported in the literature in individuals affected with FKRP-related conditions. This variant disrupts a region of the FKRP protein in which other variant(s) (p.Ile478Thr) have been determined to be pathogenic (PMID: 16476814, 18639457, 19299310). This suggests that this is a clinically significant region of the protein, and that variants that disrupt it are likely to be disease-causing. For these reasons, this variant has been classified as Pathogenic.

Literature cited by the submitters: PubMed 16476814; PubMed 18639457; PubMed 19299310.

NM_024301.5(FKRP):c.261del (p.Tyr88fs)

Gene: FKRP (fukutin related protein; plus strand). Cytogenetic location: 19q13.32.
Variant type: Deletion.
Coding change: c.261del on transcript NM_024301.5 (MANE Select); coding-DNA position 261, one base deleted (C; older notation c.261delC).
Protein change: p.Tyr88fs; shifts the reading frame from tyrosine 88.
Molecular consequence: frameshift variant.
Genome position (GRCh38, 1-based): chr19:46,755,711, C deleted; the last of 4 consecutive C bases (chr19:46,755,708-46,755,711); deleting any one gives the same sequence. VCF-style (leftmost placement, unchanged base first): chr19-46755707-TC-T. GRCh37 (hg19) VCF-style: chr19-47258964-TC-T.
Other names: c.261del, p.Tyr88fs (NM_001039885.3); short protein forms Y88fs.
Identifiers: ClinVar variation 2853636 (VCV002853636.3), dbSNP rs2513986651, ClinGen allele CA2739276925.